The following is an entry in ClinVar:

NM_001122955.4(BSCL2):c.1153G>C (p.Glu385Gln)

Genes: BSCL2 (BSCL2 lipid droplet biogenesis associated, seipin; minus strand), HNRNPUL2-BSCL2 (HNRNPUL2-BSCL2 readthrough (NMD candidate); minus strand). Cytogenetic location: 11q12.3.
Variant type: single nucleotide variant.
Coding change: c.1153G>C on transcript NM_001122955.4 (MANE Select); coding-DNA position 1153, G replaced by C.
Protein change: p.Glu385Gln; replaces glutamic acid 385 with glutamine.
Molecular consequence: missense variant. On other transcripts: non-coding transcript variant (1).
Genome position (GRCh38, 1-based): chr11:62,690,787, C>G on the plus strand (G>C on the coding strand, the complement: BSCL2 is on the minus strand). VCF-style: chr11-62690787-C-G. GRCh37 (hg19) VCF-style: chr11-62458259-C-G.
Other names: c.819G>C, p.Gln273His (NM_001130702.2); c.1159G>C, p.Glu387Gln (NM_001386027.1); c.1153G>C, p.Glu385Gln (NM_001386028.1); c.961G>C, p.Glu321Gln (NM_032667.6); short protein forms E387Q, Q273H, E321Q, E385Q.
Identifiers: ClinVar variation 2770619 (VCV002770619.3), dbSNP rs1458232816, ClinGen allele CA380956456.

ClinVar aggregate classification (germline): Uncertain significance (1 of 4 stars; one submission).

Conditions:
Charcot-Marie-Tooth disease type 2. Also called: Charcot-Marie-Tooth type 2. Identifiers: Orphanet 64746, MedGen C0270914, MONDO:0018993.

gnomAD v4.1: 1 of 1,613,762 alleles (0.000062%); highest among the groups gnomAD compares: Non-Finnish European, 0.000085%; no homozygotes.

Submission:

Labcorp Genetics (formerly Invitae), Labcorp
Classification: Uncertain significance for Charcot-Marie-Tooth disease type 2. Last evaluated: 2023-11-01. Review status: criteria provided, single submitter. Criteria: Invitae Variant Classification Sherloc (09022015). Collection method: clinical testing. Allele origin: germline.
Comment: This sequence change replaces glutamic acid, which is acidic and polar, with glutamine, which is neutral and polar, at codon 321 of the BSCL2 protein (p.Glu321Gln). This variant also falls at the last nucleotide of exon 9, which is part of the consensus splice site for this exon. This variant is not present in population databases (gnomAD no frequency). This variant has not been reported in the literature in individuals affected with BSCL2-related conditions. An algorithm developed to predict the effect of missense changes on protein structure and function (PolyPhen-2) suggests that this variant is likely to be disruptive. Variants that disrupt the consensus splice site are a relatively common cause of aberrant splicing (PMID: 17576681, 9536098). Algorithms developed to predict the effect of sequence changes on RNA splicing suggest that this variant may disrupt the consensus splice site. In summary, the available evidence is currently insufficient to determine the role of this variant in disease. Therefore, it has been classified as a Variant of Uncertain Significance.

Literature cited by the submitters: PubMed 17576681; PubMed 9536098.